The following is an entry in ClinVar:

ClinVar aggregate classification (germline): Uncertain significance (1 of 4 stars; one submission).

Conditions:
Cardiovascular phenotype. Identifiers: MedGen CN230736.

Submission:

Ambry Genetics
Classification: Uncertain significance for Cardiovascular phenotype. Last evaluated: 2024-08-15. Review status: criteria provided, single submitter. Criteria: Ambry Variant Classification Scheme 2023. Collection method: clinical testing. Allele origin: germline.
Comment: The p.Q1042H variant (also known as c.3126A>T), located in coding exon 22 of the MYH6 gene, results from an A to T substitution at nucleotide position 3126. The glutamine at codon 1042 is replaced by histidine, an amino acid with highly similar properties. This amino acid position is conserved. In addition, the in silico prediction for this alteration is inconclusive. Based on the available evidence, the clinical significance of this variant remains unclear.

NM_002471.4(MYH6):c.3126A>T (p.Gln1042His)

Gene: MYH6 (myosin heavy chain 6; minus strand). Cytogenetic location: 14q11.2.
Variant type: single nucleotide variant.
Coding change: c.3126A>T on transcript NM_002471.4 (MANE Select); coding-DNA position 3126, A replaced by T.
Protein change: p.Gln1042His; replaces glutamine 1042 with histidine.
Molecular consequence: missense variant.
Genome position (GRCh38, 1-based): chr14:23,393,037, T>A on the plus strand (A>T on the coding strand, the complement: MYH6 is on the minus strand). VCF-style: chr14-23393037-T-A. GRCh37 (hg19) VCF-style: chr14-23862246-T-A.
Other names: short protein forms Q1042H.
Identifiers: ClinVar variation 3400842 (VCV003400842.1).